The following is an entry in ClinVar:

NM_000426.4(LAMA2):c.7755T>A (p.Tyr2585Ter)

Gene: LAMA2 (laminin subunit alpha 2; plus strand). Cytogenetic location: 6q22.33.
Variant type: single nucleotide variant.
Coding change: c.7755T>A on transcript NM_000426.4 (MANE Select); coding-DNA position 7755, T replaced by A.
Protein change: p.Tyr2585Ter; replaces tyrosine 2585 with a stop codon.
Molecular consequence: nonsense.
Genome position (GRCh38, 1-based): chr6:129,486,479, T>A. VCF-style: chr6-129486479-T-A. GRCh37 (hg19) VCF-style: chr6-129807624-T-A.
Other names: c.7743T>A, p.Tyr2581Ter (NM_001079823.2); short protein forms Y2581*, Y2585*.
Identifiers: ClinVar variation 5011530 (VCV005011530.1).

ClinVar aggregate classification (germline): Pathogenic (1 of 4 stars; one submission).

Conditions:
LAMA2-related muscular dystrophy (LAMA2-RD). Also called: Laminin alpha 2-related dystrophy. Identifiers: MedGen C5679788, MONDO:0100228.

Submission:

Myriad Genetics, Inc.
Classification: Pathogenic for LAMA2-related muscular dystrophy. Last evaluated: 2023-09-03. Review status: criteria provided, single submitter. Criteria: Myriad Autosomal Dominant, Autosomal Recessive and X-Linked Classification Criteria (2023). Collection method: clinical testing. Allele origin: unknown.
Comment: NM_000426.3(LAMA2):c.7755T>A(Y2585*) is expected to be pathogenic in the context of muscular dystrophy, LAMA2-related. This variant is predicted to lead to an abnormal or absent protein product due to the creation of a premature termination codon in LAMA2, a gene where loss-of-function variants are known to be pathogenic. Please note: this variant was assessed in the context of healthy population screening.